The following is an entry in ClinVar:

ClinVar aggregate classification (germline): Likely benign. Review status: criteria provided, multiple submitters, no conflicts (2 of 4 stars). 2 submissions from 2 submitters: Likely benign (2). Last evaluated 2023-01-26.

Allele frequency attached by ClinVar (database versions not stated): gnomAD exomes below 0.00001; TOPMed below 0.00001; ExAC 0.00001; gnomAD 0.00001; 1000 Genomes Project 30x 0.00016; 1000 Genomes Project 0.00020.
gnomAD v4.1: 1 of 1,613,968 alleles (0.000062%); highest among the groups gnomAD compares: South Asian, 0.0011%; no homozygotes.

Submissions (2):

Labcorp Genetics (formerly Invitae), Labcorp
Classification: Likely benign. Last evaluated: 2023-01-26. Review status: criteria provided, single submitter. Criteria: Invitae Variant Classification Sherloc (09022015). Collection method: clinical testing. Allele origin: germline.

GeneDx
Classification: Likely benign. Last evaluated: 2017-11-17. Review status: criteria provided, single submitter. Criteria: GeneDx Variant Classification (06012015). Collection method: clinical testing. Allele origin: germline. Affected: yes.
Comment: This variant is considered likely benign or benign based on one or more of the following criteria: it is a conservative change, it occurs at a poorly conserved position in the protein, it is predicted to be benign by multiple in silico algorithms, and/or has population frequency not consistent with disease.

NM_000260.4(MYO7A):c.1284C>T (p.Asn428=)

Gene: MYO7A (myosin VIIA; plus strand). Cytogenetic location: 11q13.5.
Variant type: single nucleotide variant.
Coding change: c.1284C>T on transcript NM_000260.4 (MANE Select); coding-DNA position 1284, C replaced by T.
Protein change: p.Asn428=; no amino-acid change (asparagine 428 retained).
Molecular consequence: synonymous variant.
Genome position (GRCh38, 1-based): chr11:77,161,056, C>T. VCF-style: chr11-77161056-C-T. GRCh37 (hg19) VCF-style: chr11-76872102-C-T.
Other names: c.1284C>T, p.Asn428= (NM_001127180.2); c.1251C>T, p.Asn417= (NM_001369365.1).
Identifiers: ClinVar variation 513630 (VCV000513630.9), dbSNP rs573454806, ClinGen allele CA6197443.